The following is an entry in ClinVar:

ClinVar aggregate classification (germline): Benign (1 of 4 stars; one submission).

Allele frequency attached by ClinVar (database versions not stated): 1000 Genomes Project 0.44269; 1000 Genomes Project 30x 0.45347; TOPMed 0.59875; gnomAD 0.60658 and 0.62280.

Submission:

GeneDx
Classification: Benign. Last evaluated: 2018-06-14. Review status: criteria provided, single submitter. Criteria: GeneDx Variant Classification (06012015). Collection method: clinical testing. Allele origin: germline. Affected: yes.
Comment: This variant is considered likely benign or benign based on one or more of the following criteria: it is a conservative change, it occurs at a poorly conserved position in the protein, it is predicted to be benign by multiple in silico algorithms, and/or has population frequency not consistent with disease.

NM_133259.4(LRPPRC):c.469+166T>G

Gene: LRPPRC (leucine rich pentatricopeptide repeat containing; minus strand). Cytogenetic location: 2p21.
Variant type: single nucleotide variant.
Coding change: c.469+166T>G on transcript NM_133259.4 (MANE Select); 166 bases into the intron after coding-DNA position 469, T replaced by G.
Molecular consequence: intron variant.
Genome position (GRCh38, 1-based): chr2:43,979,660, A>C on the plus strand (T>G on the coding strand, the complement: LRPPRC is on the minus strand). VCF-style: chr2-43979660-A-C. GRCh37 (hg19) VCF-style: chr2-44206799-A-C.
Identifiers: ClinVar variation 684308 (VCV000684308.1), dbSNP rs10170954, ClinGen allele CA11184521.
Genomic context (GRCh38, chr2:43,979,660, plus strand): 5'-TTTTTTAACTTACCGTACTTGTAAGTAATACTTGTTATGAAAAATTATTTATTGTTAATG[A>C]CCCTAGATGTCACTATACCTCACCAAATAAATATTATCAAAAAATTATGAATCAAGTAGC-3'